The following is an entry in ClinVar:

ClinVar aggregate classification (germline): Pathogenic (1 of 4 stars; one submission).

Conditions:
Foveal hypoplasia - optic nerve decussation defect - anterior segment dysgenesis syndrome. Also called: Foveal hypoplasia 2; FOVEAL HYPOPLASIA 2 WITH OPTIC NERVE DECUSSATION DEFECTS AND ANTERIOR SEGMENT DYSGENESIS WITHOUT ALBINISM; FOVEAL HYPOPLASIA 2 WITH OR WITHOUT OPTIC NERVE MISROUTING AND/OR ANTERIOR SEGMENT DYSGENESIS; FOVEAL HYPOPLASIA 2 WITH OR WITHOUT MICROPHTHALMIA OR COLOBOMA. Identifiers: Orphanet 397618, MedGen C3807873, MONDO:0012216, OMIM 609218.

Submission:

Dubai Health Genomic Medicine Center, Dubai Health
Classification: Pathogenic for Foveal hypoplasia - optic nerve decussation defect - anterior segment dysgenesis syndrome. Last evaluated: 2020-11-16. Review status: criteria provided, single submitter. Criteria: ACMG Guidelines, 2015. Collection method: clinical testing. Allele origin: germline. Affected: yes.
Comment: The p.Gly39fs variant in SLC38A8 has not been previously identified in individuals with foveal hypoplasia and was absent from large population studies such as the Genome Aggregation Database (gnomAD) and the Greater Middle East (GME) variome database. This frameshift variant is predicted to alter the protein's amino acid sequence beginning at position 39 and lead to a premature termination codon 31 amino acids downstream. This alteration is then predicted to lead to a truncated or absent protein. Other variants including one frameshift variant have been reported (Human Gene Mutation Database) in this exon where the p.Gly39fs is located. In summary this variant meets our criteria for pathogenicity.

NM_001080442.3(SLC38A8):c.116del (p.Gly39fs)

Gene: SLC38A8 (solute carrier family 38 member 8; minus strand). Cytogenetic location: 16q23.3.
Variant type: Deletion.
Coding change: c.116del on transcript NM_001080442.3 (MANE Select); coding-DNA position 116, one base deleted (G; older notation c.116delG).
Protein change: p.Gly39fs; shifts the reading frame from glycine 39.
Molecular consequence: frameshift variant.
Genome position (GRCh38, 1-based): chr16:84,042,042, C deleted on the plus strand (G on the coding strand, the reverse complement: SLC38A8 is on the minus strand); the first of 3 consecutive C bases (chr16:84,042,042-84,042,044); deleting any one gives the same sequence. VCF-style (leftmost placement, unchanged base first): chr16-84042041-TC-T. GRCh37 (hg19) VCF-style: chr16-84075646-TC-T.
Other names: short protein forms G39fs.
Identifiers: ClinVar variation 1301567 (VCV001301567.2), dbSNP rs2151131708, ClinGen allele CA2530131126.